The following is an entry in ClinVar:

ClinVar aggregate classification (germline): Uncertain significance. Review status: criteria provided, multiple submitters, no conflicts (2 of 4 stars). 2 submissions from 2 submitters: Uncertain significance (2). Last evaluated 2026-06-18.

Conditions:
Familial hypobetalipoproteinemia 1. Also called: APOB-Related Familial Hypobetalipoproteinemia; Hypobetalipoproteinemia, normotriglyceridemic; Acanthocytosis with hypobetalipoproteinemia. Identifiers: MedGen C4551990, MONDO:0014252, OMIM 615558.
Hypercholesterolemia, autosomal dominant, type B (FHCL2). Also called: Familial hypercholesterolemia 2; Hyperlipoproteinemia Type IIb; Familial Hypercholesterolemia Type B; APOB-Related Familial Hypercholesterolemia, Autosomal Dominant; APOLIPOPROTEIN B-100, FAMILIAL DEFECTIVE; APOLIPOPROTEIN B-100, FAMILIAL LIGAND-DEFECTIVE. Identifiers: MedGen C1704417, MONDO:0007751, OMIM 144010.
Cardiovascular phenotype. Identifiers: MedGen CN230736.

Submissions (2):

Ambry Genetics
Classification: Uncertain significance for Cardiovascular phenotype. Last evaluated: 2026-06-18. Review status: criteria provided, single submitter. Criteria: Ambry Variant Classification Scheme 2023. Collection method: clinical testing. Allele origin: germline.
Comment: The p.I1907M variant (also known as c.5721C>G), located in coding exon 26 of the APOB gene, results from a C to G substitution at nucleotide position 5721. The isoleucine at codon 1907 is replaced by methionine, an amino acid with highly similar properties. This amino acid position is conserved. In addition, this alteration is predicted to be tolerated by in silico analysis. Based on the available evidence, the clinical significance of this variant remains unclear.

Labcorp Genetics (formerly Invitae), Labcorp
Classification: Uncertain significance for Familial hypobetalipoproteinemia 1; Hypercholesterolemia, autosomal dominant, type B. Last evaluated: 2023-09-20. Review status: criteria provided, single submitter. Criteria: Invitae Variant Classification Sherloc (09022015). Collection method: clinical testing. Allele origin: germline.
Comment: This sequence change replaces isoleucine, which is neutral and non-polar, with methionine, which is neutral and non-polar, at codon 1907 of the APOB protein (p.Ile1907Met). This variant is not present in population databases (gnomAD no frequency). This variant has not been reported in the literature in individuals affected with APOB-related conditions. ClinVar contains an entry for this variant (Variation ID: 918497). Advanced modeling of protein sequence and biophysical properties (such as structural, functional, and spatial information, amino acid conservation, physicochemical variation, residue mobility, and thermodynamic stability) performed at Invitae indicates that this missense variant is not expected to disrupt APOB protein function. In summary, the available evidence is currently insufficient to determine the role of this variant in disease. Therefore, it has been classified as a Variant of Uncertain Significance.

NM_000384.3(APOB):c.5721C>G (p.Ile1907Met)

Gene: APOB (apolipoprotein B; minus strand). Cytogenetic location: 2p24.1.
Variant type: single nucleotide variant.
Coding change: c.5721C>G on transcript NM_000384.3 (MANE Select); coding-DNA position 5721, C replaced by G.
Protein change: p.Ile1907Met; replaces isoleucine 1907 with methionine.
Molecular consequence: missense variant.
Genome position (GRCh38, 1-based): chr2:21,011,147, G>C on the plus strand (C>G on the coding strand, the complement: APOB is on the minus strand). VCF-style: chr2-21011147-G-C. GRCh37 (hg19) VCF-style: chr2-21234019-G-C.
Other names: short protein forms I1907M.
Identifiers: ClinVar variation 2925508 (VCV002925508.2), dbSNP rs755014418, ClinGen allele CA346004121.
Genomic context (GRCh38, chr2:21,011,147, plus strand): 5'-CAGCTGCCCAGTATGTTCTCCCCAGAGAGCGAGTTTCCCATTGCCATTTGTATGTGCATC[G>C]ATGGTCATGGTAAACGGGGCCATTACAGAACGGAAGACATTGCTGAAATGCAGTGAGTCT-3'
Protein context (NP_000375.3, residues 1897-1917): RSVMAPFTMT[Ile1907Met]DAHTNGNGKL